The following is an entry in ClinVar:

ClinVar aggregate classification (germline): Likely pathogenic (1 of 4 stars; one submission).

Conditions:
PIEZO1-related disorder. Also called: PIEZO1-related condition; PIEZO1-Related Disorders.

Submission:

PreventionGenetics, part of Exact Sciences
Classification: Likely pathogenic for PIEZO1-related condition. Last evaluated: 2025-10-07. Review status: criteria provided, single submitter. Criteria: ACMG Guidelines, 2015. Collection method: clinical testing. Allele origin: germline.
Comment: The PIEZO1 c.2157_2180+28del52 variant is predicted to result in a deletion affecting a canonical splice site. This variant is predicted to delete eight amino acids and eliminate a native splice donor site. Depending on the compensatory splicing, this variant may cause a frameshift. To our knowledge, this variant has not been reported in the literature or in a large population database (gnomAD), indicating it is rare. This variant is interpreted as likely pathogenic.

NM_001142864.4(PIEZO1):c.2157_2180+28del

Genes: HSALR1 (HSP90AB1 associated lncRNA 1; plus strand), PIEZO1 (piezo type mechanosensitive ion channel component 1 (Er blood group); minus strand). Cytogenetic location: 16q24.3.
Variant type: Deletion.
Coding change: c.2157_2180+28del on transcript NM_001142864.4 (MANE Select); coding-DNA position 2157 through 28 bases into the intron after coding-DNA position 2180, 52 bases deleted.
Molecular consequence: splice donor variant.
Genome position (GRCh38, 1-based): chr16:88,734,328-88,734,379, 52 bases deleted. GRCh37 (hg19): chr16:88,800,737-88,800,788.
Identifiers: ClinVar variation 2631384 (VCV002631384.2), dbSNP rs2507908738, ClinGen allele CA2695201166.